The following is an entry in ClinVar:

ClinVar aggregate classification (germline): Pathogenic. Review status: reviewed by expert panel (3 of 4 stars). 4 submissions from 4 submitters: Pathogenic (1). 3 of the submissions do not count toward it. Last evaluated 2017-12-15.

Conditions:
Hereditary cancer-predisposing syndrome. Also called: Tumor predisposition; Hereditary Cancer Syndrome; Neoplastic Syndromes, Hereditary; Hereditary neoplastic syndrome. Identifiers: Orphanet 140162, MedGen C0027672, MeSH D009386, MONDO:0015356.
Hereditary breast ovarian cancer syndrome. Also called: Hereditary breast and ovarian cancer; Breast and ovarian cancer; Hereditary breast and/or ovarian cancer syndrome; BRCA1- and BRCA2-Associated Hereditary Breast and Ovarian Cancer; Hereditary breast and ovarian cancer syndrome; Hereditary breast and ovarian cancer syndrome (HBOC). Identifiers: Orphanet 145, MedGen C0677776, MeSH D061325, MONDO:0003582. Disease mechanism: loss of function.
Breast-ovarian cancer, familial, susceptibility to, 2 (BROVCA2). Also called: BRCA2 Hereditary Breast and Ovarian Cancer. Identifiers: Orphanet 145, MedGen C2675520, MONDO:0012933, OMIM 612555. Disease mechanism: loss of function.

Submissions (4):

Evidence-based Network for the Interpretation of Germline Mutant Alleles (ENIGMA)
Classification: Pathogenic for Breast-ovarian cancer, familial, susceptibility to, 2. Last evaluated: 2017-12-15. Review status: reviewed by expert panel. Criteria: ENIGMA BRCA1/2 Classification Criteria (2017-06-29). Collection method: curation. Allele origin: germline. Study: ENIGMA.
Comment: Variant allele predicted to encode a truncated non-functional protein.

Ambry Genetics
Classification: Pathogenic for Hereditary cancer-predisposing syndrome. Last evaluated: 2025-09-04. Review status: criteria provided, single submitter. Criteria: Ambry Variant Classification Scheme 2023. Collection method: clinical testing. Allele origin: germline. Not counted in ClinVar's aggregate classification.
Comment: The p.E297* pathogenic mutation (also known as c.889G>T), located in coding exon 9 of the BRCA2 gene, results from a G to T substitution at nucleotide position 889. This changes the amino acid from a glutamic acid to a stop codon within coding exon 9. This variant is considered to be rare based on population cohorts in the Genome Aggregation Database (gnomAD). This alteration is expected to result in loss of function by premature protein truncation or nonsense-mediated mRNA decay. As such, this alteration is interpreted as a disease-causing mutation.

Women's Health and Genetics/Laboratory Corporation of America, LabCorp
Classification: Likely pathogenic for Hereditary breast and ovarian cancer syndrome. Last evaluated: 2020-09-21. Review status: criteria provided, single submitter. Criteria: LabCorp Variant Classification Summary - May 2015. Collection method: clinical testing. Allele origin: germline. Not counted in ClinVar's aggregate classification.
Comment: Variant summary: BRCA2 c.889G>T (p.Glu297X) results in a premature termination codon, predicted to cause a truncation of the encoded protein or absence of the protein due to nonsense mediated decay, which are commonly known mechanisms for disease. Truncations downstream of this position have been classified as pathogenic by our laboratory. The variant was absent in 240594 control chromosomes (gnomAD). To our knowledge, no occurrence of c.889G>T in individuals affected with Hereditary Breast And Ovarian Cancer Syndrome and no experimental evidence demonstrating its impact on protein function have been reported. Two ClinVar submitters including an expert panel (ENIGMA) (evaluation after 2014) cite the variant as pathogenic/likely pathogenic. Based on the evidence outlined above, the variant was classified as likely pathogenic.

Quest Diagnostics Nichols Institute San Juan Capistrano
Classification: Likely pathogenic for Breast-ovarian cancer, familial, susceptibility to, 2. Last evaluated: 2016-06-18. Review status: criteria provided, single submitter. Criteria: Quest Diagnostics criteria. Collection method: clinical testing. Allele origin: germline. Inheritance: Autosomal dominant inheritance. Not counted in ClinVar's aggregate classification.

Literature cited by the submitters: PubMed 26295337 (cited by Quest Diagnostics Nichols Institute San Juan Capistrano).

NM_000059.4(BRCA2):c.889G>T (p.Glu297Ter)

Gene: BRCA2 (BRCA2 DNA repair associated; plus strand). Cytogenetic location: 13q13.1.
Variant type: single nucleotide variant.
Coding change: c.889G>T on transcript NM_000059.4 (MANE Select); coding-DNA position 889, G replaced by T.
Protein change: p.Glu297Ter; replaces glutamic acid 297 with a stop codon.
Molecular consequence: nonsense.
Genome position (GRCh38, 1-based): chr13:32,332,367, G>T. VCF-style: chr13-32332367-G-T. GRCh37 (hg19) VCF-style: chr13-32906504-G-T.
Other names: short protein forms E297*.
Identifiers: ClinVar variation 252404 (VCV000252404.6), dbSNP rs879255298, ClinGen allele CA10585891.